The following is an entry in ClinVar:

ClinVar aggregate classification (germline): Uncertain significance. Review status: criteria provided, multiple submitters, no conflicts (2 of 4 stars). 3 submissions from 3 submitters: Uncertain significance (3). Last evaluated 2024-03-01.

Conditions:
Ataxia-telangiectasia syndrome (AT). Also called: AT, COMPLEMENTATION GROUP C; Cerebello-oculocutaneous telangiectasia; Immunodeficiency with ataxia telangiectasia; Ataxia-telangiectasia, complementation group D; ATAXIA-TELANGIECTASIA, FRESNO VARIANT; Ataxia-telangiectasia, complementation group E. Identifiers: Orphanet 100, MedGen C0004135, MONDO:0008840, OMIM 208900.
Familial cancer of breast. Also called: BREAST CANCER, FAMILIAL; hereditary breast carcinoma; Hereditary breast cancer. Identifiers: Orphanet 227535, MedGen C0346153, MONDO:0016419, OMIM 114480. Disease mechanism: loss of function.
Hereditary cancer-predisposing syndrome. Also called: Hereditary neoplastic syndrome; Neoplastic Syndromes, Hereditary; Hereditary Cancer Syndrome; Tumor predisposition. Identifiers: Orphanet 140162, MedGen C0027672, MeSH D009386, MONDO:0015356.

Submissions (3):

Ambry Genetics
Classification: Uncertain significance for Hereditary cancer-predisposing syndrome. Last evaluated: 2024-03-01. Review status: criteria provided, single submitter. Criteria: Ambry Variant Classification Scheme 2023. Collection method: clinical testing. Allele origin: germline.
Comment: The p.P260T variant (also known as c.778C>A), located in coding exon 6 of the ATM gene, results from a C to A substitution at nucleotide position 778. The proline at codon 260 is replaced by threonine, an amino acid with highly similar properties. This amino acid position is highly conserved in available vertebrate species. In addition, the in silico prediction for this alteration is inconclusive. Based on the available evidence, the clinical significance of this alteration remains unclear.

Baylor Genetics
Classification: Uncertain significance for Familial cancer of breast. Last evaluated: 2023-07-31. Review status: criteria provided, single submitter. Criteria: ACMG Guidelines, 2015. Collection method: clinical testing. Allele origin: unknown.

Labcorp Genetics (formerly Invitae), Labcorp
Classification: Uncertain significance for Ataxia-telangiectasia syndrome. Last evaluated: 2022-10-13. Review status: criteria provided, single submitter. Criteria: Invitae Variant Classification Sherloc (09022015). Collection method: clinical testing. Allele origin: germline.
Comment: In summary, the available evidence is currently insufficient to determine the role of this variant in disease. Therefore, it has been classified as a Variant of Uncertain Significance. Algorithms developed to predict the effect of missense changes on protein structure and function are either unavailable or do not agree on the potential impact of this missense change (SIFT: "Tolerated"; PolyPhen-2: "Possibly Damaging"; Align-GVGD: "Class C0"). This sequence change replaces proline, which is neutral and non-polar, with threonine, which is neutral and polar, at codon 260 of the ATM protein (p.Pro260Thr). This variant is not present in population databases (gnomAD no frequency). This variant has not been reported in the literature in individuals affected with ATM-related conditions. ClinVar contains an entry for this variant (Variation ID: 572897).

NM_000051.4(ATM):c.778C>A (p.Pro260Thr)

Gene: ATM (ATM serine/threonine kinase; plus strand). Cytogenetic location: 11q22.3.
Variant type: single nucleotide variant.
Coding change: c.778C>A on transcript NM_000051.4 (MANE Select); coding-DNA position 778, C replaced by A.
Protein change: p.Pro260Thr; replaces proline 260 with threonine.
Molecular consequence: missense variant.
Genome position (GRCh38, 1-based): chr11:108,244,903, C>A. VCF-style: chr11-108244903-C-A. GRCh37 (hg19) VCF-style: chr11-108115630-C-A.
Other names: c.778C>A, p.Pro260Thr (NM_001351834.2); short protein forms P260T.
Identifiers: ClinVar variation 572897 (VCV000572897.7), dbSNP rs863224581, ClinGen allele CA382529328.